The following is an entry in ClinVar:

ClinVar aggregate classification (germline): not provided. Review status: no classification provided (0 of 4 stars). 2 submissions from 1 submitter: not provided (2).

Conditions:
Large for gestational age. Identifiers: MedGen C1848395, HP:0001520.
Normal pregnancy. Identifiers: MedGen C0232989.

Submissions (2):

Institute of Molecular and Cell Biology, University of Tartu
No classification provided. Condition: Normal pregnancy. Review status: no classification provided. Collection method: case-control. Allele origin: unknown. Affected: yes. Study: Kasak2014.
Comment: The study aimed to determine the contribution of copy number variants in the genetic etiology of normal and complicated pregnancies. The samples represented (i) maternal blood DNA drawn from healthy pregnant women during 1st or 2nd trimester and (ii) maternal and paternal blood DNA drawn at term pregnancy cases representing normal and complicated gestations (severe preeclampsia, PE; gestational diabetes, GD; small-for-gestational age newborn, SGA; large-for-gestational age newborn, LGA). We performed CNV calling based on genome-wide genotyping dataset (Illumina HumanOmniExpress-24-v1 BeadChip) by applying three algorithms, QuantiSNP, GADA (Genome Alteration Detection Algorithm) and CNstream in parallel. The acquired CNV calls were merged with HD-CNV (Hotspot Detector for Copy Number Variants) program and only the CNVs predicted by at least two programs, were considered in subsequent analysis.

Institute of Molecular and Cell Biology, University of Tartu
No classification provided. Condition: Large for gestational age. Review status: no classification provided. Collection method: case-control. Allele origin: unknown. Affected: yes. Study: Kasak2014.
Comment: the same text as in the submission from Institute of Molecular and Cell Biology, University of Tartu above.

Literature cited by the submitters: PubMed 25666259.

NM_005235.2(ERBB4):c.83-202639_83-194067del

Gene: ERBB4 (erb-b2 receptor tyrosine kinase 4; minus strand). Cytogenetic location: 2q34.
Variant type: Deletion.
Coding change: c.83-202639_83-194067del on transcript NM_005235.2; 202639 bases into the intron before coding-DNA position 83 through 194067 bases into the intron before coding-DNA position 83, this stretch deleted.
Other names: c.83-202639_83-194067del (NM_001042599.1).
Identifiers: ClinVar variation 156816 (VCV000156816.2).